The following is an entry in ClinVar:

ClinVar aggregate classification (germline): Likely benign (0 of 4 stars; one submission).

Conditions:
POMGNT2-related disorder. Also called: POMGNT2-related condition.

gnomAD v4.1: 24 of 1,614,106 alleles (0.0015%); highest among the groups gnomAD compares: African/African-American, 0.0027%; no homozygotes.

Submission:

PreventionGenetics, part of Exact Sciences
Classification: Likely benign for POMGNT2-related condition. Last evaluated: 2019-08-07. Review status: no assertion criteria provided. Collection method: clinical testing. Allele origin: germline.
Comment: This variant is classified as likely benign based on ACMG/AMP sequence variant interpretation guidelines (Richards et al. 2015 PMID: 25741868, with internal and published modifications).

NM_032806.6(POMGNT2):c.444C>T (p.Phe148=)

Gene: POMGNT2 (protein O-linked mannose N-acetylglucosaminyltransferase 2 (beta 1,4-); minus strand). Cytogenetic location: 3p22.1.
Variant type: single nucleotide variant.
Coding change: c.444C>T on transcript NM_032806.6 (MANE Select); coding-DNA position 444, C replaced by T.
Protein change: p.Phe148=; no amino-acid change (phenylalanine 148 retained).
Molecular consequence: synonymous variant.
Genome position (GRCh38, 1-based): chr3:43,080,988, G>A on the plus strand (C>T on the coding strand, the complement: POMGNT2 is on the minus strand). VCF-style: chr3-43080988-G-A. GRCh37 (hg19) VCF-style: chr3-43122480-G-A.
Identifiers: ClinVar variation 3035323 (VCV003035323.2), dbSNP rs1211672309, ClinGen allele CA433354625.
Genomic context (GRCh38, chr3:43,080,988, plus strand): 5'-AAAGACGTGCATGAGGTTGTCGGGGTTGAAGCGGTTGGCGATGAGGGCCACGTCTGGCAC[G>A]AACACCGGCTTGGGCATGAAGCGCAGGGCAGCAGCAGGCAGCTCCACGAAGTTGAAGTAC-3'
Protein context (NP_116195.2, residues 138-158): AALRFMPKPV[Phe148=]VPDVALIANR